The following is an entry in ClinVar:

ClinVar aggregate classification (germline): Pathogenic (1 of 4 stars; one submission).

Conditions:
Lynch syndrome. Identifiers: Orphanet 144, MedGen C4552100, MONDO:0005835. Disease mechanism: loss of function.

Submission:

Laboratory for Molecular Medicine, Mass General Brigham Personalized Medicine
Classification: Pathogenic for Lynch syndrome. Last evaluated: 2017-06-13. Review status: criteria provided, single submitter. Criteria: LMM Criteria. Collection method: clinical testing. Allele origin: germline. Inheritance: Autosomal dominant inheritance. Observed: 1 variant allele.
Comment: This PMS2 variant is a deletion encompassing exons 10 to 14. Deletions in this r egion have been well reported in the heterozygous state in individuals with Lync h syndrome (Brea-Fernandez 2014, Rosty 2016, Senter 2008, ten Broeke 2015, van d er Klift 2005, van der Klift 2010, van der Klift 2016, van Puijenbroek 2008, Vau ghn 2013), and in the compound heterozygous state in individuals with constituti onal mismatch repair deficiency syndrome (Lavoine 2015, van der Klift 2016, Vaso vcak 2012). Larger deletions spanning this region have also been identified in m ultiple cases of Lynch syndrome (Bakry 2014, Baris 2015, Borras 2013, Brea-Ferna ndez 2014, Chmara 2013, Herkert 2011, LaDuca 2014, Lavoine 2015, Lindsay 2013, N icolaides 1994, Overbeek 2007, Peron 2008, Rosty 2016, Senter 2008, Suerink 2016 , ten Broeke 2015, van der Klift 2005, van der Klift 2010, van der Klift 2016, Vaughn 2011, Vaughn 2013, Will 2007). This deletion is expected to lead to a tru ncated or absent protein, though its exact breakpoints cannot be determined due to limitations of the testing methodology. Heterozygous loss of function of the PMS2 gene is an established disease mechanism in individuals with Lynch syndrom e. In summary, this variant meets criteria to be classified as pathogenic for Ly nch syndrome in an autosomal dominant manner based on the predicted impact to th e protein and multiple occurrences in affected individuals.

Literature cited by the submitters: PubMed 26544533; PubMed 23629955; PubMed 21376568; PubMed 26318770; PubMed 23012243; PubMed 18824584; PubMed 23709753; PubMed 24763289; PubMed 23582141; PubMed 8072530; PubMed 25512458; PubMed 27435373; PubMed 22608206; PubMed 21618646; PubMed 17258725; PubMed 26895986; PubMed 18602922; PubMed 20186688; PubMed 26110232; PubMed 15942939; PubMed 18415027; PubMed 24440087; PubMed 23837913; PubMed 17453009.

NM_000535.5(PMS2):c.(?_989-5)_(2445+5_?)del

Gene: PMS2 (PMS1 homolog 2, mismatch repair system component; minus strand). Cytogenetic location: 7p22.1.
Variant type: Deletion.
Coding change: c.(?_989-5)_(2445+5_?)del on transcript NM_000535.5; a large deletion whose breakpoints are not mapped to the base.
Other names: c.(?_989-5)_(2445+5_?)del (LRG_161t1).
Identifiers: ClinVar variation 517372 (VCV000517372.5).